The following is an entry in ClinVar:

ClinVar aggregate classification (germline): Uncertain significance (1 of 4 stars; one submission).

Conditions:
Primary dilated cardiomyopathy (DCM). Also called: Dilated Cardiomyopathy. Identifiers: Orphanet 217604, MedGen C0007193, MeSH D002311, MONDO:0005021, HP:0001644. Inheritance: Various modes of inheritance.
Hypertrophic cardiomyopathy. Also called: HYPERTROPHIC MYOCARDIOPATHY. Identifiers: Orphanet 217569, MedGen C0007194, MeSH D002312, MONDO:0005045, HP:0001639.

Submission:

Labcorp Genetics (formerly Invitae), Labcorp
Classification: Uncertain significance for Hypertrophic cardiomyopathy; Primary dilated cardiomyopathy. Last evaluated: 2025-09-08. Review status: criteria provided, single submitter. Criteria: Invitae Variant Classification Sherloc (09022015). Collection method: clinical testing. Allele origin: germline.
Comment: This sequence change replaces proline, which is neutral and non-polar, with serine, which is neutral and polar, at codon 218 of the PDLIM3 protein (p.Pro218Ser). This variant is present in population databases (rs150809809, gnomAD 0.008%). This variant has not been reported in the literature in individuals affected with PDLIM3-related conditions. Invitae Evidence Modeling of protein sequence and biophysical properties (such as structural, functional, and spatial information, amino acid conservation, physicochemical variation, residue mobility, and thermodynamic stability) indicates that this missense variant is not expected to disrupt PDLIM3 protein function with a negative predictive value of 80%. In summary, the available evidence is currently insufficient to determine the role of this variant in disease. Therefore, it has been classified as a Variant of Uncertain Significance.

NM_014476.6(PDLIM3):c.652C>T (p.Pro218Ser)

Gene: PDLIM3 (PDZ and LIM domain 3; minus strand). Cytogenetic location: 4q35.1.
Variant type: single nucleotide variant.
Coding change: c.652C>T on transcript NM_014476.6 (MANE Select); coding-DNA position 652, C replaced by T.
Protein change: p.Pro218Ser; replaces proline 218 with serine.
Molecular consequence: missense variant. On other transcripts: intron variant (3).
Genome position (GRCh38, 1-based): chr4:185,508,309, G>A on the plus strand (C>T on the coding strand, the complement: PDLIM3 is on the minus strand). VCF-style: chr4-185508309-G-A. GRCh37 (hg19) VCF-style: chr4-186429463-G-A.
Other names: c.162-1657C>T (NM_001257963.2); c.399-1657C>T (NM_001257962.2); c.519-1657C>T (NM_001114107.5); short protein forms P218S.
Identifiers: ClinVar variation 4787526 (VCV004787526.1).